The following is an entry in ClinVar:

ClinVar aggregate classification (germline): Uncertain significance (1 of 4 stars; one submission).

Allele frequency attached by ClinVar (database versions not stated): ExAC below 0.00001.

Submission:

Labcorp Genetics (formerly Invitae), Labcorp
Classification: Uncertain significance. Last evaluated: 2022-01-06. Review status: criteria provided, single submitter. Criteria: Invitae Variant Classification Sherloc (09022015). Collection method: clinical testing. Allele origin: germline.
Comment: ClinVar contains an entry for this variant (Variation ID: 1047726). This variant has not been reported in the literature in individuals affected with CACNA1F-related conditions. This variant is not present in population databases (gnomAD no frequency). This sequence change falls in intron 10 of the CACNA1F gene. It does not directly change the encoded amino acid sequence of the CACNA1F protein. It affects a nucleotide within the consensus splice site. In summary, the available evidence is currently insufficient to determine the role of this variant in disease. Therefore, it has been classified as a Variant of Uncertain Significance. Variants that disrupt the consensus splice site are a relatively common cause of aberrant splicing (PMID: 17576681, 9536098). Algorithms developed to predict the effect of sequence changes on RNA splicing suggest that this variant is not likely to affect RNA splicing.

Literature cited by the submitters: PubMed 17576681; PubMed 9536098.

NM_001256789.3(CACNA1F):c.1369+3G>A

Gene: CACNA1F (calcium voltage-gated channel subunit alpha1 F; minus strand). Cytogenetic location: Xp11.23.
Variant type: single nucleotide variant.
Coding change: c.1369+3G>A on transcript NM_001256789.3 (MANE Select); 3 bases into the intron after coding-DNA position 1369, G replaced by A.
Molecular consequence: intron variant.
Genome position (GRCh38, 1-based): chrX:49,226,607, C>T on the plus strand (G>A on the coding strand, the complement: CACNA1F is on the minus strand). VCF-style: chrX-49226607-C-T. GRCh37 (hg19) VCF-style: chrX-49083069-C-T.
Other names: c.1402+3G>A (NM_005183.4); c.1207+3G>A (NM_001256790.3).
Identifiers: ClinVar variation 1047726 (VCV001047726.6), dbSNP rs781827823, ClinGen allele CA10410891.